The following is an entry in ClinVar:

ClinVar aggregate classification (germline): Likely pathogenic. Review status: criteria provided, multiple submitters, no conflicts (2 of 4 stars). 3 submissions from 3 submitters: Likely pathogenic (3). Last evaluated 2026-02-12.

Conditions:
Dilated cardiomyopathy 1G (CMD1G). Identifiers: Orphanet 154, MedGen C1858763, MONDO:0011400, OMIM 604145.
Autosomal recessive limb-girdle muscular dystrophy type 2J (LGMDR10). Also called: Limb-girdle muscular dystrophy, type 2J; MUSCULAR DYSTROPHY, LIMB-GIRDLE, AUTOSOMAL RECESSIVE 10. Identifiers: Orphanet 140922, MedGen C1837342, MONDO:0012127, OMIM 608807.
Hypertrophic cardiomyopathy 9. Also called: Familial hypertrophic cardiomyopathy 9. Identifiers: MedGen C1861065, MONDO:0013412, OMIM 613765.
Cardiovascular phenotype. Identifiers: MedGen CN230736.

Allele frequency attached by ClinVar (database versions not stated): gnomAD exomes below 0.00001; gnomAD 0.00001; TOPMed 0.00001.
gnomAD v4.1: 3 of 1,613,852 alleles (0.00019%); highest among the groups gnomAD compares: Non-Finnish European, 0.00025%; no homozygotes.

Submissions (3):

Ambry Genetics
Classification: Likely pathogenic for Cardiovascular phenotype. Last evaluated: 2026-02-12. Review status: criteria provided, single submitter. Criteria: Ambry Variant Classification Scheme 2023. Collection method: clinical testing. Allele origin: germline.
Comment: The p.R25878* variant (also known as c.77632C>T), located in coding exon 185 of the TTN gene, results from a C to T substitution at nucleotide position 77632. This changes the amino acid from an arginine to a stop codon within coding exon 185. This exon is located in the M-band region of the N2-B isoform of the titin protein and is constitutively expressed in TTN transcripts (percent spliced in or PSI 100%). This variant is considered to be rare based on population cohorts in the Genome Aggregation Database (gnomAD). This variant is expected to result in loss of function by premature protein truncation or nonsense-mediated mRNA decay. While truncating variants in TTN are present in 1-3% of the general population, truncating variants in the M-band have been reported in association with autosomal recessive titinopathies, primarily presenting with skeletal myopathy phenotypes (Ceyhan-Birsoy O et al. Neurology. 2013 Oct 1;81(14):1205-14; De Cid R et al. Neurology. 2015;85(24):2126-35). Truncating variants in coding exon 185 of the M-band of the N2-B isoform have also been specifically associated with autosomal dominant dilated cardiomyopathy (Vatta M et al. Circ GenomPrecis Med. 2025 Feb:e004982). More generally, TTN truncating variants encoded in constitutive exons (PSI >90%) have been found to be significantly associated with dilated cardiomyopathy (DCM) regardless of their position, although truncating variants in the A-band are the most common cause of DCM (Herman DS et al. N. Engl. J. Med., 2012 Feb;366:619-28; Roberts AM et al. Sci Transl Med, 2015 Jan;7:270ra6; Schafer S et al. Nat. Genet., 2017 01;49:46-53; Akhtar MM et al. Circ Heart Fail, 2020 Oct;13:e006832; Massier M et al. Clin Genet, 2025 Jan). Based on the majority of available evidence to date, this variant is likely to be pathogenic.

Human Genetics Bochum, Ruhr University Bochum
Classification: Likely pathogenic for Dilated cardiomyopathy 1G; Hypertrophic cardiomyopathy 9. Last evaluated: 2025-08-27. Review status: criteria provided, single submitter. Criteria: ACMG Guidelines, 2015. Collection method: clinical testing. Allele origin: germline. Affected: yes.
Comment: ACMG criteria used to clasify this variant: PVS1, PM2_SUP

Labcorp Genetics (formerly Invitae), Labcorp
Classification: Likely pathogenic for Dilated cardiomyopathy 1G; Autosomal recessive limb-girdle muscular dystrophy type 2J. Last evaluated: 2024-10-30. Review status: criteria provided, single submitter. Criteria: Invitae Variant Classification Sherloc (09022015). Collection method: clinical testing. Allele origin: germline.
Comment: This sequence change creates a premature translational stop signal (p.Arg34943*) in the TTN gene. While this is not anticipated to result in nonsense mediated decay, it is expected to create a truncated TTN protein. This variant is not present in population databases (gnomAD no frequency). This premature translational stop signal has been observed in individual(s) with dilated cardiomyopathy (PMID: 36264615). ClinVar contains an entry for this variant (Variation ID: 954597). This variant is located in the M band of TTN (PMID: 25589632). Truncating variants in this region have been previously reported in individuals affected with autosomal dominant or autosomal recessive myopathy and muscular dystrophy (PMID: 18948003, 23975875, 24395473). Truncating variants in this region have also been identified in individuals affected with autosomal dominant dilated cardiomyopathy and/or cardio-related conditions (PMID: 27869827, 32964742, internal data). In summary, the currently available evidence indicates that the variant is pathogenic, but additional data are needed to prove that conclusively. Therefore, this variant has been classified as Likely Pathogenic.

Literature cited by the submitters: PubMed 36264615 (cited by Labcorp Genetics (formerly Invitae), Labcorp); PubMed 25589632 (cited by Labcorp Genetics (formerly Invitae), Labcorp); PubMed 18948003 (cited by Labcorp Genetics (formerly Invitae), Labcorp); PubMed 23975875 (cited by Labcorp Genetics (formerly Invitae), Labcorp); PubMed 24395473 (cited by Labcorp Genetics (formerly Invitae), Labcorp); PubMed 27869827 (cited by Labcorp Genetics (formerly Invitae), Labcorp); PubMed 32964742 (cited by Labcorp Genetics (formerly Invitae), Labcorp).

NM_001267550.2(TTN):c.104827C>T (p.Arg34943Ter)

Genes: TTN (titin; minus strand), TTN-AS1 (TTN antisense RNA 1; plus strand). Cytogenetic location: 2q31.2.
Variant type: single nucleotide variant.
Coding change: c.104827C>T on transcript NM_001267550.2 (MANE Select); coding-DNA position 104827, C replaced by T.
Protein change: p.Arg34943Ter; replaces arginine 34943 with a stop codon.
Molecular consequence: nonsense.
Genome position (GRCh38, 1-based): chr2:178,531,788, G>A on the plus strand (C>T on the coding strand, the complement: TTN is on the minus strand). VCF-style: chr2-178531788-G-A. GRCh37 (hg19) VCF-style: chr2-179396515-G-A.
Other names: c.99904C>T, p.Arg33302Ter (NM_001256850.1); c.77632C>T, p.Arg25878Ter (NM_003319.4); c.97123C>T, p.Arg32375Ter (NM_133378.4); c.78007C>T, p.Arg26003Ter (NM_133432.3); c.78208C>T, p.Arg26070Ter (NM_133437.4); short protein forms R26070*, R25878*, R32375*, R34943*, R26003*, R33302*.
Identifiers: ClinVar variation 954597 (VCV000954597.13), dbSNP rs1202115268, ClinGen allele CA349410810.